The following is an entry in ClinVar:

NM_000313.4(PROS1):c.48C>A (p.Leu16=)

Gene: PROS1 (protein S; minus strand). Cytogenetic location: 3q11.1.
Variant type: single nucleotide variant.
Coding change: c.48C>A on transcript NM_000313.4 (MANE Select); coding-DNA position 48, C replaced by A.
Protein change: p.Leu16=; no amino-acid change (leucine 16 retained).
Molecular consequence: synonymous variant.
Genome position (GRCh38, 1-based): chr3:93,973,702, G>T on the plus strand (C>A on the coding strand, the complement: PROS1 is on the minus strand). VCF-style: chr3-93973702-G-T. GRCh37 (hg19) VCF-style: chr3-93692546-G-T.
Other names: c.48C>A, p.Leu16= (NM_001314077.2).
Identifiers: ClinVar variation 695726 (VCV000695726.9), dbSNP rs559292587, ClinGen allele CA2503627.

ClinVar aggregate classification (germline): Benign. Review status: criteria provided, single submitter (1 of 4 stars). 2 submissions from 2 submitters: Benign (1). 1 of the submissions does not count toward it. Last evaluated 2025-10-24.

Conditions:
Thrombophilia due to protein S deficiency, autosomal recessive (THPH6). Identifiers: Orphanet 743, MedGen C3281092, MONDO:0013791, OMIM 614514. Disease mechanism: loss of function.
PROS1-related disorder. Also called: PROS1-related condition.

Allele frequency attached by ClinVar (database versions not stated): 1000 Genomes Project 30x 0.00172; 1000 Genomes Project 0.00160; gnomAD 0.00002 and 0.00023; TOPMed 0.00004.
gnomAD v4.1: 551 of 1,614,040 alleles (0.034%); highest among the groups gnomAD compares: South Asian, 0.56%; 2 homozygotes.

Submissions (2):

Labcorp Genetics (formerly Invitae), Labcorp
Classification: Benign for Thrombophilia due to protein S deficiency, autosomal recessive. Last evaluated: 2025-10-24. Review status: criteria provided, single submitter. Criteria: Invitae Variant Classification Sherloc (09022015). Collection method: clinical testing. Allele origin: germline.

PreventionGenetics, part of Exact Sciences
Classification: Likely benign for PROS1-related condition. Last evaluated: 2019-04-23. Review status: no assertion criteria provided. Collection method: clinical testing. Allele origin: germline. Not counted in ClinVar's aggregate classification.
Comment: This variant is classified as likely benign based on ACMG/AMP sequence variant interpretation guidelines (Richards et al. 2015 PMID: 25741868, with internal and published modifications).